The following is an entry in ClinVar:

NM_007294.4(BRCA1):c.3836C>T (p.Ala1279Val)

Genes: BRCA1 (BRCA1 DNA repair associated; minus strand), LOC126862571 (BRD4-independent group 4 enhancer GRCh37_chr17:41243136-41244335; plus strand). Cytogenetic location: 17q21.31.
Variant type: single nucleotide variant.
Coding change: c.3836C>T on transcript NM_007294.4 (MANE Select); coding-DNA position 3836, C replaced by T.
Protein change: p.Ala1279Val; replaces alanine 1279 with valine.
Molecular consequence: missense variant. On other transcripts: intron variant (135).
Genome position (GRCh38, 1-based): chr17:43,091,695, G>A on the plus strand (C>T on the coding strand, the complement: BRCA1 is on the minus strand). VCF-style: chr17-43091695-G-A. GRCh37 (hg19) VCF-style: chr17-41243712-G-A.
Other names: c.3623C>T, p.Ala1208Val (NM_001407571.1, NM_001407853.1, NM_001407894.1 and 9 more transcripts); c.3836C>T, p.Ala1279Val (NM_001407581.1, NM_001407582.1, NM_001407583.1 and 30 more transcripts); c.3833C>T, p.Ala1278Val (NM_001407587.1, NM_001407590.1, NM_001407591.1 and 22 more transcripts); c.3827C>T, p.Ala1276Val (NM_001407646.1, NM_001407647.1); c.3713C>T, p.Ala1238Val (NM_001407648.1, NM_001407664.1, NM_001407665.1 and 19 more transcripts); c.3710C>T, p.Ala1237Val (NM_001407649.1, NM_001407670.1, NM_001407671.1 and 11 more transcripts); c.3758C>T, p.Ala1253Val (NM_001407653.1, NM_001407654.1, NM_001407655.1 and 4 more transcripts); c.3755C>T, p.Ala1252Val (NM_001407659.1, NM_001407660.1, NM_001407661.1 and 1 more transcripts); and 41 more; short protein forms A1279V, A1232V, A1152V, A1211V, A1212V, A1237V, A411V, A1209V.
Identifiers: ClinVar variation 462623 (VCV000462623.21), dbSNP rs1555586967, ClinGen allele CA10594292.
Genomic context (GRCh38, chr17:43,091,695, plus strand): 5'-TGTGAAGAAAACAAGCTAGCAGAACATTTTGTTTCCTCACTAAGGTGATGTTCCTGAGAT[G>A]CCTTTGCCAATATTACCTGGTTACTGCAGTCATTTAAGCTATTCTTCAATGATAATAAAT-3'
Protein context (NP_009225.1, residues 1269-1289): DCSNQVILAK[Ala1279Val]SQEHHLSEET

ClinVar aggregate classification (germline): Conflicting classifications of pathogenicity. Review status: criteria provided, conflicting classifications (1 of 4 stars). 6 submissions from 6 submitters: Uncertain significance (3); Benign (1); Likely benign (2). Last evaluated 2025-12-23.

Conditions:
Hereditary breast ovarian cancer syndrome. Also called: BRCA1- and BRCA2-Associated Hereditary Breast and Ovarian Cancer; Hereditary breast and ovarian cancer syndrome; Hereditary breast and/or ovarian cancer syndrome; Hereditary breast and ovarian cancer syndrome (HBOC); Hereditary breast and ovarian cancer; Breast and ovarian cancer. Identifiers: Orphanet 145, MedGen C0677776, MeSH D061325, MONDO:0003582. Disease mechanism: loss of function.
Hereditary cancer-predisposing syndrome. Also called: Hereditary neoplastic syndrome; Neoplastic Syndromes, Hereditary; Hereditary Cancer Syndrome; Tumor predisposition. Identifiers: Orphanet 140162, MedGen C0027672, MeSH D009386, MONDO:0015356.

Allele frequency attached by ClinVar (database versions not stated): gnomAD exomes below 0.00001.
gnomAD v4.1: 2 of 1,614,202 alleles (0.00012%); highest among the groups gnomAD compares: Middle Eastern, 0.016%; no homozygotes.

Submissions (6):

Labcorp Genetics (formerly Invitae), Labcorp
Classification: Benign for Hereditary breast ovarian cancer syndrome. Last evaluated: 2025-12-23. Review status: criteria provided, single submitter. Criteria: Invitae Variant Classification Sherloc (09022015). Collection method: clinical testing. Allele origin: germline.

Color Diagnostics, LLC DBA Color Health
Classification: Uncertain significance for Hereditary cancer-predisposing syndrome. Last evaluated: 2024-09-23. Review status: criteria provided, single submitter. Criteria: ACMG Guidelines, 2015. Collection method: clinical testing. Allele origin: germline.
Comment: This missense variant replaces alanine with valine at codon 1279 of the BRCA1 protein. Computational prediction is inconclusive regarding the impact of this variant on protein structure and function. To our knowledge, functional studies have not been reported for this variant. This variant has not been reported in individuals affected with BRCA1-related disorders in the literature. This variant has not been identified in the general population by the Genome Aggregation Database (gnomAD). The available evidence is insufficient to determine the role of this variant in disease conclusively. Therefore, this variant is classified as a Variant of Uncertain Significance.

Blueprint Genetics
Classification: Likely benign. Last evaluated: 2024-09-11. Review status: criteria provided, single submitter. Criteria: ACMG Guidelines, 2015. Collection method: clinical testing. Allele origin: germline.

Ambry Genetics
Classification: Uncertain significance for Hereditary cancer-predisposing syndrome. Last evaluated: 2024-08-06. Review status: criteria provided, single submitter. Criteria: Ambry Variant Classification Scheme 2023. Collection method: clinical testing. Allele origin: germline.
Comment: The p.A1279V variant (also known as c.3836C>T), located in coding exon 9 of the BRCA1 gene, results from a C to T substitution at nucleotide position 3836. The alanine at codon 1279 is replaced by valine, an amino acid with similar properties. This amino acid position is not well conserved in available vertebrate species. In addition, the in silico prediction for this alteration is inconclusive. Based on the available evidence, the clinical significance of this variant remains unclear.

Women's Health and Genetics/Laboratory Corporation of America, LabCorp
Classification: Uncertain significance. Last evaluated: 2024-04-17. Review status: criteria provided, single submitter. Criteria: LabCorp Variant Classification Summary - May 2015. Collection method: clinical testing. Allele origin: germline.

University of Washington Department of Laboratory Medicine, University of Washington
Classification: Likely benign for Hereditary cancer-predisposing syndrome. Last evaluated: 2023-03-23. Review status: criteria provided, single submitter. Criteria: Dines et al. (Genet Med. 2020). Collection method: curation. Allele origin: germline.
Comment: Missense variant in a coldspot region where missense variants are very unlikely to be pathogenic (PMID:31911673).

BRCA1 coldspot (exon 11 using historical exon numbering). Reclassification based on statistical prior probability